The following is an entry in ClinVar:

NM_000321.3(RB1):c.2225T>G (p.Val742Gly)

Gene: RB1 (RB transcriptional corepressor 1; plus strand). Cytogenetic location: 13q14.2.
Variant type: single nucleotide variant.
Coding change: c.2225T>G on transcript NM_000321.3 (MANE Select); coding-DNA position 2225, T replaced by G.
Protein change: p.Val742Gly; replaces valine 742 with glycine.
Molecular consequence: missense variant.
Genome position (GRCh38, 1-based): chr13:48,465,011, T>G. VCF-style: chr13-48465011-T-G. GRCh37 (hg19) VCF-style: chr13-49039147-T-G.
Other names: c.2225T>G, p.Val742Gly (NM_001407165.1); short protein forms V742G.
Identifiers: ClinVar variation 4544123 (VCV004544123.1).

ClinVar aggregate classification (germline): Uncertain significance (1 of 4 stars; one submission).

Conditions:
Hereditary cancer-predisposing syndrome. Also called: Tumor predisposition; Hereditary Cancer Syndrome; Hereditary neoplastic syndrome; Neoplastic Syndromes, Hereditary. Identifiers: Orphanet 140162, MedGen C0027672, MeSH D009386, MONDO:0015356.

Submission:

Ambry Genetics
Classification: Uncertain significance for Hereditary cancer-predisposing syndrome. Last evaluated: 2025-10-29. Review status: criteria provided, single submitter. Criteria: Ambry Variant Classification Scheme 2023. Collection method: clinical testing. Allele origin: germline.
Comment: The p.V742G variant (also known as c.2225T>G), located in coding exon 22 of the RB1 gene, results from a T to G substitution at nucleotide position 2225. The valine at codon 742 is replaced by glycine, an amino acid with dissimilar properties. This amino acid position is conserved. In addition, this alteration is predicted to be deleterious by in silico analysis. Based on the available evidence, the clinical significance of this variant remains unclear.